The following is an entry in ClinVar:

ClinVar aggregate classification (germline): Uncertain significance (1 of 4 stars; one submission).

Conditions:
Familial sleep-related hypermotor epilepsy. Also called: Autosomal Dominant Sleep-Related Hypermotor (Hyperkinetic) Epilepsy. Identifiers: Orphanet 98784, MedGen C3696898, MONDO:0000030.

gnomAD v4.1: 1 of 1,555,092 alleles (0.000064%); highest among the groups gnomAD compares: Non-Finnish European, 0.000087%; no homozygotes.

Submission:

Labcorp Genetics (formerly Invitae), Labcorp
Classification: Uncertain significance. Last evaluated: 2024-07-11. Review status: criteria provided, single submitter. Criteria: Invitae Variant Classification Sherloc (09022015). Collection method: clinical testing. Allele origin: germline.
Comment: This sequence change falls in intron 4 of the CHRNA2 gene. It does not directly change the encoded amino acid sequence of the CHRNA2 protein. It affects a nucleotide within the consensus splice site. This variant is not present in population databases (gnomAD no frequency). This variant has not been reported in the literature in individuals affected with CHRNA2-related conditions. Variants that disrupt the consensus splice site are a relatively common cause of aberrant splicing (PMID: 17576681, 9536098). Algorithms developed to predict the effect of sequence changes on RNA splicing suggest that this variant is not likely to affect RNA splicing. In summary, the available evidence is currently insufficient to determine the role of this variant in disease. Therefore, it has been classified as a Variant of Uncertain Significance.

Literature cited by the submitters: PubMed 17576681; PubMed 9536098.

NM_000742.4(CHRNA2):c.339+3G>A

Gene: CHRNA2 (cholinergic receptor nicotinic alpha 2 subunit; minus strand). Cytogenetic location: 8p21.2.
Variant type: single nucleotide variant.
Coding change: c.339+3G>A on transcript NM_000742.4 (MANE Select); 3 bases into the intron after coding-DNA position 339, G replaced by A.
Molecular consequence: intron variant.
Genome position (GRCh38, 1-based): chr8:27,469,332, C>T on the plus strand (G>A on the coding strand, the complement: CHRNA2 is on the minus strand). VCF-style: chr8-27469332-C-T. GRCh37 (hg19) VCF-style: chr8-27326849-C-T.
Other names: c.-134+3G>A (NM_001347705.2, NM_001347706.2); c.294+3G>A (NM_001282455.2); c.-123+3G>A (NM_001347708.2); c.-120+3G>A (NM_001347707.2).
Identifiers: ClinVar variation 3659226 (VCV003659226.2).